The following is an entry in ClinVar:

ClinVar aggregate classification (germline): Uncertain significance. Review status: criteria provided, multiple submitters, no conflicts (2 of 4 stars). 2 submissions from 2 submitters: Uncertain significance (2). Last evaluated 2024-10-01.

Conditions:
Inborn genetic diseases. Identifiers: MedGen C0950123, MeSH D030342.

Submissions (2):

Ambry Genetics
Classification: Uncertain significance for Inborn genetic diseases. Last evaluated: 2024-10-01. Review status: criteria provided, single submitter. Criteria: Ambry Variant Classification Scheme 2023. Collection method: clinical testing. Allele origin: germline.

Labcorp Genetics (formerly Invitae), Labcorp
Classification: Uncertain significance. Last evaluated: 2022-01-02. Review status: criteria provided, single submitter. Criteria: Invitae Variant Classification Sherloc (09022015). Collection method: clinical testing. Allele origin: germline.
Comment: This sequence change replaces glycine, which is neutral and non-polar, with arginine, which is basic and polar, at codon 789 of the SLC24A1 protein (p.Gly789Arg). In summary, the available evidence is currently insufficient to determine the role of this variant in disease. Therefore, it has been classified as a Variant of Uncertain Significance. Algorithms developed to predict the effect of missense changes on protein structure and function output the following: SIFT: "Deleterious"; PolyPhen-2: "Benign"; Align-GVGD: "Class C0". The arginine amino acid residue is found in multiple mammalian species, which suggests that this missense change does not adversely affect protein function. This variant has not been reported in the literature in individuals affected with SLC24A1-related conditions. This variant is not present in population databases (gnomAD no frequency).

NM_004727.3(SLC24A1):c.2365G>A (p.Gly789Arg)

Gene: SLC24A1 (solute carrier family 24 member 1; plus strand). Cytogenetic location: 15q22.31.
Variant type: single nucleotide variant.
Coding change: c.2365G>A on transcript NM_004727.3 (MANE Select); coding-DNA position 2365, G replaced by A.
Protein change: p.Gly789Arg; replaces glycine 789 with arginine.
Molecular consequence: missense variant.
Genome position (GRCh38, 1-based): chr15:65,650,514, G>A. VCF-style: chr15-65650514-G-A. GRCh37 (hg19) VCF-style: chr15-65942852-G-A.
Other names: c.2365G>A (NM_004727.2); c.346G>A, p.Gly116Arg (NM_001254740.2); c.2365G>A, p.Gly789Arg (NM_001301031.1); c.2311G>A, p.Gly771Arg (NM_001301032.1, NM_001301033.2); c.2023G>A, p.Gly675Arg (NM_001411142.1); short protein forms G675R, G116R, G771R, G789R.
Identifiers: ClinVar variation 1969758 (VCV001969758.6), dbSNP rs2548425172, ClinGen allele CA392899007.